The following is an entry in ClinVar:

ClinVar aggregate classification (germline): Uncertain significance (1 of 4 stars; one submission).

Conditions:
Cardiovascular phenotype. Identifiers: MedGen CN230736.

Submission:

Molecular Diagnostic Laboratory for Inherited Cardiovascular Disease, Montreal Heart Institute
Classification: Uncertain significance for Cardiovascular phenotype. Last evaluated: 2025-04-09. Review status: criteria provided, single submitter. Criteria: ACMG Guidelines, 2015. Collection method: clinical testing. Allele origin: germline. Affected: yes.
Comment: PVS1_mod, PM2

NM_001035.3(RYR2):c.11767_11775+5delinsCAGC

Gene: RYR2 (ryanodine receptor 2; plus strand). Cytogenetic location: 1q43.
Variant type: Indel.
Coding change: c.11767_11775+5delinsCAGC on transcript NM_001035.3 (MANE Select); coding-DNA position 11767 through 5 bases into the intron after coding-DNA position 11775, TATATTCAGGTAAA replaced by CAGC.
Molecular consequence: splice donor variant.
Genome position (GRCh38, 1-based): chr1:237,773,640-237,773,653, TATATTCAGGTAAA replaced by CAGC. VCF-style: chr1-237773640-TATATTCAGGTAAA-CAGC. GRCh37 (hg19) VCF-style: chr1-237936940-TATATTCAGGTAAA-CAGC.
Identifiers: ClinVar variation 3895227 (VCV003895227.1).